The following is an entry in ClinVar:

NM_002471.4(MYH6):c.3673G>A (p.Glu1225Lys)

Gene: MYH6 (myosin heavy chain 6; minus strand). Cytogenetic location: 14q11.2.
Variant type: single nucleotide variant.
Coding change: c.3673G>A on transcript NM_002471.4 (MANE Select); coding-DNA position 3673, G replaced by A.
Protein change: p.Glu1225Lys; replaces glutamic acid 1225 with lysine.
Molecular consequence: missense variant.
Genome position (GRCh38, 1-based): chr14:23,390,116, C>T on the plus strand (G>A on the coding strand, the complement: MYH6 is on the minus strand). VCF-style: chr14-23390116-C-T. GRCh37 (hg19) VCF-style: chr14-23859325-C-T.
Other names: short protein forms E1225K.
Identifiers: ClinVar variation 3717650 (VCV003717650.3).

ClinVar aggregate classification (germline): Uncertain significance. Review status: criteria provided, multiple submitters, no conflicts (2 of 4 stars). 2 submissions from 2 submitters: Uncertain significance (2). Last evaluated 2026-06-15.

Conditions:
MYH6-related disorder. Also called: MYH6-Related Disorders; MYH6-related condition.
Hypertrophic cardiomyopathy 14. Identifiers: MedGen C2750467, MONDO:0013197, OMIM 613251.

gnomAD v4.1: 6 of 1,612,098 alleles (0.00037%); highest among the groups gnomAD compares: East Asian, 0.0022%; no homozygotes.

Submissions (2):

PreventionGenetics, part of Exact Sciences
Classification: Uncertain significance for MYH6-related condition. Last evaluated: 2026-06-15. Review status: criteria provided, single submitter. Criteria: ACMG Guidelines, 2015. Collection method: clinical testing. Allele origin: germline.
Comment: The MYH6 c.3673G>A variant is predicted to result in the amino acid substitution p.Glu1225Lys. To our knowledge, this variant has not been reported in the literature. This variant is reported in 0.0018% of alleles in individuals of European (Non-Finnish) descent in gnomAD. At this time, the clinical significance of this variant is uncertain due to the absence of conclusive functional and genetic evidence.

Labcorp Genetics (formerly Invitae), Labcorp
Classification: Uncertain significance for Hypertrophic cardiomyopathy 14. Last evaluated: 2024-09-09. Review status: criteria provided, single submitter. Criteria: Invitae Variant Classification Sherloc (09022015). Collection method: clinical testing. Allele origin: germline.
Comment: This sequence change replaces glutamic acid, which is acidic and polar, with lysine, which is basic and polar, at codon 1225 of the MYH6 protein (p.Glu1225Lys). This variant is present in population databases (rs751985684, gnomAD 0.002%). This variant has not been reported in the literature in individuals affected with MYH6-related conditions. Invitae Evidence Modeling of protein sequence and biophysical properties (such as structural, functional, and spatial information, amino acid conservation, physicochemical variation, residue mobility, and thermodynamic stability) indicates that this missense variant is not expected to disrupt MYH6 protein function with a negative predictive value of 80%. In summary, the available evidence is currently insufficient to determine the role of this variant in disease. Therefore, it has been classified as a Variant of Uncertain Significance.